The following is an entry in ClinVar:

NM_001371596.2(MFSD8):c.1350+2T>C

Gene: MFSD8 (major facilitator superfamily domain containing 8; minus strand). Cytogenetic location: 4q28.2.
Variant type: single nucleotide variant.
Coding change: c.1350+2T>C on transcript NM_001371596.2 (MANE Select); the canonical splice donor site of the intron after coding-DNA position 1350, T replaced by C.
Molecular consequence: splice donor variant. On other transcripts: missense variant (1), 3 prime UTR variant (1).
Genome position (GRCh38, 1-based): chr4:127,921,522, A>G on the plus strand (T>C on the coding strand, the complement: MFSD8 is on the minus strand). VCF-style: chr4-127921522-A-G. GRCh37 (hg19) VCF-style: chr4-128842677-A-G.
Other names: c.1352T>C, p.Val451Ala (NM_001371591.2); c.*237T>C (NM_001410766.1); c.1068+2T>C (NM_001371595.1); c.900+2T>C (NM_001410765.1); c.1215+2T>C (NM_001371590.2); c.1350+2T>C (NM_152778.4); c.1035+2T>C (NM_001363521.3); c.1236+2T>C (NM_001371593.2); and 3 more; short protein forms V451A.
Identifiers: ClinVar variation 930771 (VCV000930771.10), dbSNP rs1736332381, ClinGen allele CA358170882.
Genomic context (GRCh38, chr4:127,921,522, plus strand): 5'-AAAAATGTTGAGTGCTTACAAGTATATTTTCTATAATTGCAATGTCAGGGTACCTGGCTT[A>G]CCTGAGGTTTTGGTCCTAGAATTTTTGAATATAGAGTATAGGACATAAGATTGCAGACTG-3'

ClinVar aggregate classification (germline): Pathogenic/Likely pathogenic. Review status: criteria provided, multiple submitters, no conflicts (2 of 4 stars). 2 submissions from 2 submitters: Pathogenic (1); Likely pathogenic (1). Last evaluated 2023-09-15.

Conditions:
Neuronal ceroid lipofuscinosis 7 (CLN7). Also called: MFSD8-Related Neuronal Ceroid-Lipofuscinosis. Identifiers: Orphanet 168491, Orphanet 228366, MedGen C1838571, MONDO:0012588, OMIM 610951.

Allele frequency attached by ClinVar (database versions not stated): gnomAD exomes below 0.00001.
gnomAD v4.1: 1 of 1,614,202 alleles (0.000062%); highest among the groups gnomAD compares: Non-Finnish European, 0.000085%; no homozygotes.

Submissions (2):

Labcorp Genetics (formerly Invitae), Labcorp
Classification: Pathogenic for Neuronal ceroid lipofuscinosis 7. Last evaluated: 2023-09-15. Review status: criteria provided, single submitter. Criteria: Invitae Variant Classification Sherloc (09022015). Collection method: clinical testing. Allele origin: germline.
Comment: For these reasons, this variant has been classified as Pathogenic. This variant disrupts a region of the MFSD8 protein in which other variant(s) (p.Arg482*) have been determined to be pathogenic (PMID: 19177532, 25976102, 28708303; Invitae). This suggests that this is a clinically significant region of the protein, and that variants that disrupt it are likely to be disease-causing. This sequence change affects a donor splice site in intron 12 of the MFSD8 gene. While this variant is not anticipated to result in nonsense mediated decay, it likely alters RNA splicing and results in a disrupted protein product. This variant is not present in population databases (gnomAD no frequency). This variant has not been reported in the literature in individuals affected with MFSD8-related conditions. ClinVar contains an entry for this variant (Variation ID: 930771). Variants that disrupt the consensus splice site are a relatively common cause of aberrant splicing (PMID: 17576681, 9536098). Algorithms developed to predict the effect of sequence changes on RNA splicing suggest that this variant may disrupt the consensus splice site.

Centre for Mendelian Genomics, University Medical Centre Ljubljana
Classification: Likely pathogenic for Neuronal ceroid lipofuscinosis 7. Last evaluated: 2019-11-27. Review status: criteria provided, single submitter. Criteria: ACMG Guidelines, 2015. Collection method: clinical testing. Allele origin: unknown. Affected: yes.
Comment: This variant was classified as: Likely pathogenic. The following ACMG criteria were applied in classifying this variant: PVS1,PM2.

Literature cited by the submitters: PubMed 19177532 (cited by Labcorp Genetics (formerly Invitae), Labcorp); PubMed 25976102 (cited by Labcorp Genetics (formerly Invitae), Labcorp); PubMed 28708303 (cited by Labcorp Genetics (formerly Invitae), Labcorp); PubMed 17576681 (cited by Labcorp Genetics (formerly Invitae), Labcorp); PubMed 9536098 (cited by Labcorp Genetics (formerly Invitae), Labcorp).